The following is an entry in ClinVar:

NM_000179.3(MSH6):c.3438+2T>A

Gene: MSH6 (mutS homolog 6; plus strand). Cytogenetic location: 2p16.3.
Variant type: single nucleotide variant.
Coding change: c.3438+2T>A on transcript NM_000179.3 (MANE Select); the canonical splice donor site of the intron after coding-DNA position 3438, T replaced by A.
Molecular consequence: splice donor variant.
Genome position (GRCh38, 1-based): chr2:47,803,687, T>A. VCF-style: chr2-47803687-T-A. GRCh37 (hg19) VCF-style: chr2-48030826-T-A.
Other names: c.3438+2T>A (NM_001406809.1, NM_001406796.1, NM_001406808.1 and 1 more transcripts); c.2532+2T>A (NM_001406811.1, NM_001406814.1, NM_001281493.2 and 6 more transcripts); c.3141+2T>A (NM_001406805.1, NM_001406797.1, NM_001406801.1 and 10 more transcripts); c.3534+2T>A (NM_001406795.1, NM_001406802.1); c.3444+2T>A (NM_001406813.1); c.2913+2T>A (NM_001406807.1, NM_001406799.1, NM_001406806.1); c.3264+2T>A (NM_001406798.1); c.2574+2T>A (NM_001406803.1); and 7 more.
Identifiers: ClinVar variation 3772954 (VCV003772954.1).

ClinVar aggregate classification (germline): Likely pathogenic (1 of 4 stars; one submission).

Conditions:
Lynch syndrome 5 (LYNCH5). Also called: Colorectal cancer, hereditary nonpolyposis, type 5; Hereditary non-polyposis colorectal cancer, type 5. Identifiers: Orphanet 144, MedGen C1833477, MONDO:0013710, OMIM 614350. Disease mechanism: loss of function.

Submission:

Myriad Genetics, Inc.
Classification: Likely pathogenic for Lynch syndrome 5. Last evaluated: 2024-11-06. Review status: criteria provided, single submitter. Criteria: Myriad Autosomal Dominant, Autosomal Recessive and X-Linked Classification Criteria (2023). Collection method: clinical testing. Allele origin: unknown.
Comment: This variant is considered likely pathogenic. This variant occurs within a consensus splice junction and is predicted to result in abnormal mRNA splicing of either an out-of-frame exon or an in-frame exon necessary for protein stability and/or normal function.